The following is an entry in ClinVar:

ClinVar aggregate classification (germline): Pathogenic (3 of 4 stars; one submission).

Conditions:
Breast-ovarian cancer, familial, susceptibility to, 2 (BROVCA2). Also called: BRCA2 Hereditary Breast and Ovarian Cancer. Identifiers: Orphanet 145, MedGen C2675520, MONDO:0012933, OMIM 612555. Disease mechanism: loss of function.

Submission:

Evidence-based Network for the Interpretation of Germline Mutant Alleles (ENIGMA)
Classification: Pathogenic for Breast-ovarian cancer, familial, susceptibility to, 2. Last evaluated: 2017-12-15. Review status: reviewed by expert panel. Criteria: ENIGMA BRCA1/2 Classification Criteria (2017-06-29). Collection method: curation. Allele origin: germline. Study: ENIGMA.
Comment: Variant allele predicted to encode a truncated non-functional protein.

NM_000059.4(BRCA2):c.2244_2245insTTCAAAAGTGGAATTCAAAA (p.Ser749fs)

Gene: BRCA2 (BRCA2 DNA repair associated; plus strand). Cytogenetic location: 13q13.1.
Variant type: Insertion.
Coding change: c.2244_2245insTTCAAAAGTGGAATTCAAAA on transcript NM_000059.4 (MANE Select); coding-DNA positions 2244 to 2245, TTCAAAAGTGGAATTCAAAA inserted.
Protein change: p.Ser749fs; shifts the reading frame from serine 749.
Molecular consequence: frameshift variant.
Genome position: GRCh38 VCF-style: chr13-32336599-C-CTTCAAAAGTGGAATTCAAAA. GRCh37 (hg19) VCF-style: chr13-32910736-C-CTTCAAAAGTGGAATTCAAAA.
Other names: short protein forms S749fs.
Identifiers: ClinVar variation 548371 (VCV000548371.1), dbSNP rs1555282569, ClinGen allele CA658823616.